The following is an entry in ClinVar:

ClinVar aggregate classification (germline): Benign. Review status: criteria provided, multiple submitters, no conflicts (2 of 4 stars). 2 submissions from 2 submitters: Benign (2). Last evaluated 2018-06-14.

Allele frequency attached by ClinVar (database versions not stated): gnomAD exomes 0.11666; TOPMed 0.14954; 1000 Genomes Project 0.15036; gnomAD 0.15260 and 0.15514; 1000 Genomes Project 30x 0.15553.
gnomAD v4.1: 71,063 of 561,544 alleles (13%); highest among the groups gnomAD compares: African/African-American, 24%; 5,208 homozygotes.

Submissions (2):

GeneDx
Classification: Benign. Last evaluated: 2018-06-14. Review status: criteria provided, single submitter. Criteria: GeneDx Variant Classification (06012015). Collection method: clinical testing. Allele origin: germline. Affected: yes.
Comment: This variant is considered likely benign or benign based on one or more of the following criteria: it is a conservative change, it occurs at a poorly conserved position in the protein, it is predicted to be benign by multiple in silico algorithms, and/or has population frequency not consistent with disease.

Breakthrough Genomics
Classification: Benign. Review status: criteria provided, single submitter. Criteria: ACMG Guidelines, 2015. Collection method: not provided. Allele origin: germline. Inheritance: Autosomal recessive inheritance. Affected: yes.

NM_006129.5(BMP1):c.1180+176A>T

Gene: BMP1 (bone morphogenetic protein 1; plus strand). Cytogenetic location: 8p21.3.
Variant type: single nucleotide variant.
Coding change: c.1180+176A>T on transcript NM_006129.5 (MANE Select); 176 bases into the intron after coding-DNA position 1180, A replaced by T.
Molecular consequence: intron variant.
Genome position (GRCh38, 1-based): chr8:22,192,327, A>T. VCF-style: chr8-22192327-A-T. GRCh37 (hg19) VCF-style: chr8-22049840-A-T.
Other names: c.1180+176A>T (NM_001199.4).
Identifiers: ClinVar variation 680904 (VCV000680904.2), dbSNP rs3924230, ClinGen allele CA15555860.